The following is an entry in ClinVar:

NM_015338.6(ASXL1):c.3662C>A (p.Thr1221Lys)

Gene: ASXL1 (ASXL transcriptional regulator 1; plus strand). Cytogenetic location: 20q11.21.
Variant type: single nucleotide variant.
Coding change: c.3662C>A on transcript NM_015338.6 (MANE Select); coding-DNA position 3662, C replaced by A.
Protein change: p.Thr1221Lys; replaces threonine 1221 with lysine.
Molecular consequence: missense variant.
Genome position (GRCh38, 1-based): chr20:32,436,374, C>A. VCF-style: chr20-32436374-C-A. GRCh37 (hg19) VCF-style: chr20-31024177-C-A.
Other names: c.3662C>A (NM_015338.5); c.3479C>A, p.Thr1160Lys (NM_001363734.1); short protein forms T1221K, T1160K.
Identifiers: ClinVar variation 133585 (VCV000133585.5), dbSNP rs545612479, ClinGen allele CA157008.

ClinVar aggregate classification (germline): Benign/Likely benign. Review status: criteria provided, multiple submitters, no conflicts (2 of 4 stars). 3 submissions from 3 submitters: Benign (1); Likely benign (1). 1 of the submissions does not count toward it. Last evaluated 2025-11-03.

Conditions:
Inborn genetic diseases. Identifiers: MedGen C0950123, MeSH D030342.

Allele frequency attached by ClinVar (database versions not stated): gnomAD 0.00001 and 0.00009; ExAC 0.00026; 1000 Genomes Project 30x 0.00031; TOPMed 0.00003; 1000 Genomes Project 0.00040; gnomAD exomes 0.00022.
gnomAD v4.1: 165 of 1,613,734 alleles (0.01%); highest among the groups gnomAD compares: South Asian, 0.18%; 7 homozygotes.

Submissions (3):

Labcorp Genetics (formerly Invitae), Labcorp
Classification: Benign. Last evaluated: 2025-11-03. Review status: criteria provided, single submitter. Criteria: Invitae Variant Classification Sherloc (09022015). Collection method: clinical testing. Allele origin: germline.

Ambry Genetics
Classification: Likely benign for Inborn genetic diseases. Last evaluated: 2024-11-20. Review status: criteria provided, single submitter. Criteria: Ambry Variant Classification Scheme 2023. Collection method: clinical testing. Allele origin: germline.

ITMI
No classification provided. Condition: AllHighlyPenetrant. Last evaluated: 2013-09-19. Review status: no classification provided. Collection method: reference population. Allele origin: germline. Not counted in ClinVar's aggregate classification.
Comment: Please see associated publication for description of ethnicities

Literature cited by the submitters: PubMed 24728327 (cited by ITMI).